The following is an entry in ClinVar:

ClinVar aggregate classification (germline): Uncertain significance (1 of 4 stars; one submission).

Conditions:
Familial cold autoinflammatory syndrome 3 (FCAS3). Also called: FAMILIAL ATYPICAL COLD URTICARIA; ANTIBODY DEFICIENCY AND IMMUNE DYSREGULATION, PLCG2-ASSOCIATED. Identifiers: Orphanet 300359, MedGen C3280914, MONDO:0013766, OMIM 614468.

Submission:

Labcorp Genetics (formerly Invitae), Labcorp
Classification: Uncertain significance for Familial cold autoinflammatory syndrome 3. Last evaluated: 2023-10-24. Review status: criteria provided, single submitter. Criteria: Invitae Variant Classification Sherloc (09022015). Collection method: clinical testing. Allele origin: germline.
Comment: This sequence change replaces lysine, which is basic and polar, with arginine, which is basic and polar, at codon 988 of the PLCG2 protein (p.Lys988Arg). This variant is not present in population databases (gnomAD no frequency). This variant has not been reported in the literature in individuals affected with PLCG2-related conditions. An algorithm developed to predict the effect of missense changes on protein structure and function (PolyPhen-2) suggests that this variant is likely to be disruptive. In summary, the available evidence is currently insufficient to determine the role of this variant in disease. Therefore, it has been classified as a Variant of Uncertain Significance.

NM_002661.5(PLCG2):c.2963A>G (p.Lys988Arg)

Gene: PLCG2 (phospholipase C gamma 2; plus strand). Cytogenetic location: 16q23.3.
Variant type: single nucleotide variant.
Coding change: c.2963A>G on transcript NM_002661.5 (MANE Select); coding-DNA position 2963, A replaced by G.
Protein change: p.Lys988Arg; replaces lysine 988 with arginine.
Molecular consequence: missense variant.
Genome position (GRCh38, 1-based): chr16:81,936,289, A>G. VCF-style: chr16-81936289-A-G. GRCh37 (hg19) VCF-style: chr16-81969894-A-G.
Other names: c.2963A>G, p.Lys988Arg (NM_001425749.1, NM_001425750.1, NM_001425751.1); short protein forms K988R.
Identifiers: ClinVar variation 2769916 (VCV002769916.3), dbSNP rs2507754365, ClinGen allele CA396905977.